The following is an entry in ClinVar:

ClinVar aggregate classification (germline): Benign/Likely benign. Review status: criteria provided, multiple submitters, no conflicts (2 of 4 stars). 5 submissions from 5 submitters: Benign (3); Likely benign (1). 1 of the submissions does not count toward it. Last evaluated 2025-07-09.

Conditions:
Occult macular dystrophy (OCMD). Also called: OMD; OCCULT MACULAR DYSTROPHY, SUSCEPTIBILITY TO. Identifiers: Orphanet 247834, MedGen C3150833, MONDO:0013316, OMIM 613587, HP:0030636.
Retinal dystrophy. Also called: Inherited retinal dystrophy. Identifiers: Orphanet 71862, MedGen C0854723, MeSH D058499, MONDO:0019118, HP:0000556.
RP1L1-related disorder. Also called: RP1L1-related condition.

Allele frequency attached by ClinVar (database versions not stated): gnomAD 0.00014 and 0.00032; TOPMed 0.00015; gnomAD exomes 0.00027 and 0.00066; ExAC 0.00033; 1000 Genomes Project 30x 0.00094; 1000 Genomes Project 0.00140.
gnomAD v4.1: 979 of 1,613,996 alleles (0.061%); highest among the groups gnomAD compares: East Asian, 2.2%; 16 homozygotes.

Submissions (5):

Labcorp Genetics (formerly Invitae), Labcorp
Classification: Benign. Last evaluated: 2025-07-09. Review status: criteria provided, single submitter. Criteria: Invitae Variant Classification Sherloc (09022015). Collection method: clinical testing. Allele origin: germline.

Blueprint Genetics
Classification: Likely benign. Last evaluated: 2024-11-15. Review status: criteria provided, single submitter. Criteria: ACMG Guidelines, 2015. Collection method: clinical testing. Allele origin: germline.

Dept Of Ophthalmology, Nagoya University
Classification: Benign for Retinal dystrophy. Last evaluated: 2023-10-01. Review status: criteria provided, single submitter. Criteria: Submitter's publication. Collection method: research. Allele origin: germline. Affected: yes.

Illumina Laboratory Services, Illumina
Classification: Benign for Occult macular dystrophy. Last evaluated: 2018-01-13. Review status: criteria provided, single submitter. Criteria: ICSL Variant Classification Criteria 13 December 2019. Collection method: clinical testing. Allele origin: germline.
Comment: This variant was observed in the ICSL laboratory as part of a predisposition screen in an ostensibly healthy population. It had not been previously curated by ICSL or reported in the Human Gene Mutation Database (HGMD: prior to June 1st, 2018), and was therefore a candidate for classification through an automated scoring system. Utilizing variant allele frequency, disease prevalence and penetrance estimates, and inheritance mode, an automated score was calculated to assess if this variant is too frequent to cause the disease. Based on the score and internal cut-off values, a variant classified as benign is not then subjected to further curation. The score for this variant resulted in a classification of benign for this disease.

PreventionGenetics, part of Exact Sciences
Classification: Likely benign for RP1L1-related condition. Last evaluated: 2024-09-16. Review status: no assertion criteria provided. Collection method: clinical testing. Allele origin: germline. Not counted in ClinVar's aggregate classification.
Comment: This variant is classified as likely benign based on ACMG/AMP sequence variant interpretation guidelines (Richards et al. 2015 PMID: 25741868, with internal and published modifications).

NM_178857.6(RP1L1):c.289G>C (p.Glu97Gln)

Gene: RP1L1 (RP1 like 1). Cytogenetic location: 8p23.1.
Variant type: single nucleotide variant.
Coding change: c.289G>C on transcript NM_178857.6 (MANE Select); coding-DNA position 289, G replaced by C.
Protein change: p.Glu97Gln; replaces glutamic acid 97 with glutamine.
Molecular consequence: missense variant.
Genome position (GRCh38, 1-based): chr8:10,622,913, C>G on the plus strand (G>C on the coding strand, the complement: RP1L1 is on the minus strand). VCF-style: chr8-10622913-C-G. GRCh37 (hg19) VCF-style: chr8-10480423-C-G.
Other names: short protein forms E97Q.
Identifiers: ClinVar variation 361418 (VCV000361418.16), dbSNP rs142083988, ClinGen allele CA4625777.
Genomic context (GRCh38, chr8:10,622,913, plus strand): 5'-CTGGTCCACTGGGGGTCTTGGGGGGCTTCTTATCAGAGCAGAGGTAGCAGCCTCCATCTT[C>G]CAGCTGCTCCAGGGCGCTGAGGCTATGCAGGCCCCGGGGTGTGGTGACAGAGCGCACCCC-3'
Protein context (NP_849188.4, residues 87-107): LHSLSALEQL[Glu97Gln]DGGCYLCSDK